The following is an entry in ClinVar:

ClinVar aggregate classification (germline): Uncertain significance (1 of 4 stars; one submission).

gnomAD v4.1: 4 of 1,614,086 alleles (0.00025%); highest among the groups gnomAD compares: Middle Eastern, 0.016%; no homozygotes.

Submission:

Labcorp Genetics (formerly Invitae), Labcorp
Classification: Uncertain significance. Last evaluated: 2025-08-07. Review status: criteria provided, single submitter. Criteria: Invitae Variant Classification Sherloc (09022015). Collection method: clinical testing. Allele origin: germline.
Comment: This sequence change replaces leucine, which is neutral and non-polar, with proline, which is neutral and non-polar, at codon 172 of the CARD8 protein (p.Leu172Pro). This variant is not present in population databases (gnomAD no frequency). This variant has not been reported in the literature in individuals affected with CARD8-related conditions. An algorithm developed to predict the effect of missense changes on protein structure and function (PolyPhen-2) suggests that this variant is likely to be disruptive. In summary, the available evidence is currently insufficient to determine the role of this variant in disease. Therefore, it has been classified as a Variant of Uncertain Significance.

NM_001184900.3(CARD8):c.665T>C (p.Leu222Pro)

Gene: CARD8 (caspase recruitment domain family member 8; minus strand). Cytogenetic location: 19q13.33.
Variant type: single nucleotide variant.
Coding change: c.665T>C on transcript NM_001184900.3 (MANE Select); coding-DNA position 665, T replaced by C.
Protein change: p.Leu222Pro; replaces leucine 222 with proline.
Molecular consequence: missense variant. On other transcripts: non-coding transcript variant (4).
Genome position (GRCh38, 1-based): chr19:48,230,884, A>G on the plus strand (T>C on the coding strand, the complement: CARD8 is on the minus strand). VCF-style: chr19-48230884-A-G. GRCh37 (hg19) VCF-style: chr19-48734141-A-G.
Other names: c.350T>C, p.Leu117Pro (NM_001351792.2, NM_001365950.1, NM_001351784.2 and 2 more transcripts); c.515T>C, p.Leu172Pro (NM_014959.5, NM_001184901.1, NM_001351783.2 and 2 more transcripts); c.665T>C, p.Leu222Pro (NM_001184902.2, NM_001184903.1, NM_001351782.2); c.329T>C, p.Leu110Pro (NM_001351786.2); c.422T>C, p.Leu141Pro (NM_001351790.2); short protein forms L172P, L222P, L110P, L117P, L141P.
Identifiers: ClinVar variation 4771396 (VCV004771396.1).
Genomic context (GRCh38, chr19:48,230,884, plus strand): 5'-TCTGGCTCTGCAGTGACATCAAACAAGGGGCCGCCCACCAGCCACTGTTCATGGTGCTGC[A>G]GGTCCAGGGCCAGGTGCTGACTCCAGGAACCAAACGCAATCGTCACTGTGACCTCATCCC-3'
Protein context (NP_001171829.1, residues 212-232): GSWSQHLALD[Leu222Pro]QHHEQWLVGG